The following is an entry in ClinVar:

ClinVar aggregate classification (germline): Uncertain significance (1 of 4 stars; one submission).

Conditions:
Combined immunodeficiency due to LRBA deficiency. Also called: Common variable immunodeficiency 8, with autoimmunity. Identifiers: Orphanet 445018, MedGen C3553512, MONDO:0013863, OMIM 614700.

Allele frequency attached by ClinVar (database versions not stated): TOPMed 0.00001.

Submission:

Labcorp Genetics (formerly Invitae), Labcorp
Classification: Uncertain significance for Combined immunodeficiency due to LRBA deficiency. Last evaluated: 2018-12-04. Review status: criteria provided, single submitter. Criteria: Invitae Variant Classification Sherloc (09022015). Collection method: clinical testing. Allele origin: germline.
Comment: This variant is not present in population databases (ExAC no frequency). In summary, the available evidence is currently insufficient to determine the role of this variant in disease. Therefore, it has been classified as a Variant of Uncertain Significance. Algorithms developed to predict the effect of missense changes on protein structure and function are either unavailable or do not agree on the potential impact of this missense change (SIFT: "Tolerated"; PolyPhen-2: "Probably Damaging"; Align-GVGD: "Class C0"). This variant has not been reported in the literature in individuals with LRBA-related conditions. This sequence change replaces valine with methionine at codon 1364 of the LRBA protein (p.Val1364Met). The valine residue is weakly conserved and there is a small physicochemical difference between valine and methionine.

NM_001364905.1(LRBA):c.4090G>A (p.Val1364Met)

Gene: LRBA (LPS responsive beige-like anchor protein; minus strand). Cytogenetic location: 4q31.3.
Variant type: single nucleotide variant.
Coding change: c.4090G>A on transcript NM_001364905.1 (MANE Select); coding-DNA position 4090, G replaced by A.
Protein change: p.Val1364Met; replaces valine 1364 with methionine.
Molecular consequence: missense variant.
Genome position (GRCh38, 1-based): chr4:150,849,490, C>T on the plus strand (G>A on the coding strand, the complement: LRBA is on the minus strand). VCF-style: chr4-150849490-C-T. GRCh37 (hg19) VCF-style: chr4-151770642-C-T.
Other names: c.4090G>A, p.Val1364Met (NM_001199282.3, NM_001367550.1, NM_006726.5); short protein forms V1364M.
Identifiers: ClinVar variation 644623 (VCV000644623.6), dbSNP rs1466167283, ClinGen allele CA358454017.